The following is an entry in ClinVar:

NM_020975.6(RET):c.502C>T (p.Pro168Ser)

Gene: RET (ret proto-oncogene; plus strand). Cytogenetic location: 10q11.21.
Variant type: single nucleotide variant.
Coding change: c.502C>T on transcript NM_020975.6 (MANE Select); coding-DNA position 502, C replaced by T.
Protein change: p.Pro168Ser; replaces proline 168 with serine.
Molecular consequence: missense variant. On other transcripts: intron variant (15).
Genome position (GRCh38, 1-based): chr10:43,102,506, C>T. VCF-style: chr10-43102506-C-T. GRCh37 (hg19) VCF-style: chr10-43597954-C-T.
Other names: c.502C>T, p.Pro168Ser (NM_001406743.1, NM_001406744.1, NM_001406759.1 and 14 more transcripts); c.373C>T, p.Pro125Ser (NM_001406761.1, NM_001406762.1, NM_001406764.1 and 4 more transcripts); c.337+1784C>T (NM_001406770.1, NM_001406766.1, NM_001406767.1 and 8 more transcripts); c.74-6525C>T (NM_001406784.1); c.74-9593C>T (NM_001406794.1, NM_001406792.1, NM_001406793.1); short protein forms P125S, P168S.
Identifiers: ClinVar variation 4907073 (VCV004907073.2).

ClinVar aggregate classification (germline): Uncertain significance. Review status: criteria provided, multiple submitters, no conflicts (2 of 4 stars). 2 submissions from 2 submitters: Uncertain significance (2). Last evaluated 2026-08-31.

Conditions:
Hereditary cancer-predisposing syndrome. Also called: Neoplastic Syndromes, Hereditary; Tumor predisposition; Hereditary Cancer Syndrome; Hereditary neoplastic syndrome. Identifiers: Orphanet 140162, MedGen C0027672, MeSH D009386, MONDO:0015356.

gnomAD v4.1: 1 of 1,614,206 alleles (0.000062%); highest among the groups gnomAD compares: South Asian, 0.0011%; no homozygotes.

Submissions (2):

Ambry Genetics
Classification: Uncertain significance for Hereditary cancer-predisposing syndrome. Last evaluated: 2026-08-31. Review status: criteria provided, single submitter. Criteria: Ambry Variant Classification Scheme 2023. Collection method: clinical testing. Allele origin: germline.
Comment: The p.P168S variant (also known as c.502C>T), located in coding exon 3 of the RET gene, results from a C to T substitution at nucleotide position 502. The proline at codon 168 is replaced by serine, an amino acid with similar properties. This amino acid position is well conserved in available vertebrate species. In addition, this alteration is predicted to be tolerated by in silico analysis. Based on the available evidence, the clinical significance of this variant remains unclear.

Blueprint Genetics
Classification: Uncertain significance. Last evaluated: 2023-02-10. Review status: criteria provided, single submitter. Criteria: ACMG Guidelines, 2015. Collection method: clinical testing. Allele origin: germline.